The following is an entry in ClinVar:

NM_000091.5(COL4A3):c.756T>A (p.Asp252Glu)

Genes: COL4A3 (collagen type IV alpha 3 chain; plus strand), MFF-DT (MFF divergent transcript; minus strand). Cytogenetic location: 2q36.3.
Variant type: single nucleotide variant.
Coding change: c.756T>A on transcript NM_000091.5 (MANE Select); coding-DNA position 756, T replaced by A.
Protein change: p.Asp252Glu; replaces aspartic acid 252 with glutamic acid.
Molecular consequence: missense variant.
Genome position (GRCh38, 1-based): chr2:227,253,629, T>A. VCF-style: chr2-227253629-T-A. GRCh37 (hg19) VCF-style: chr2-228118345-T-A.
Other names: short protein forms D252E.
Identifiers: ClinVar variation 447177 (VCV000447177.5), dbSNP rs1412919917, ClinGen allele CA350865168.

ClinVar aggregate classification (germline): Uncertain significance. Review status: criteria provided, multiple submitters, no conflicts (2 of 4 stars). 4 submissions from 4 submitters: Uncertain significance (3). 1 of the submissions does not count toward it. Last evaluated 2021-10-29.

Conditions:
Autosomal dominant Alport syndrome (ATS3A). Also called: Alport syndrome dominant type; Renal failure and sensorineural hearing loss; ALPORT SYNDROME 3A, AUTOSOMAL DOMINANT. Identifiers: Orphanet 63, Orphanet 88918, MedGen C5882663, MONDO:0007086, OMIM 104200.
Autosomal recessive Alport syndrome (ATS2). Also called: COL4A4 Alport Syndrome and Thin Basement Membrane Nephropathy; Alport syndrome type 2; COL4A3-Related Nephropathy; ALPORT SYNDROME 2, AUTOSOMAL RECESSIVE. Identifiers: Orphanet 63, Orphanet 88919, MedGen C4746745, MONDO:0008762, OMIM 203780.
Benign familial hematuria. Also called: thin basement membrane disease. Identifiers: MedGen C0241908, MONDO:0957317.
Alport syndrome. Also called: Hemorrhagic familial nephritis; Hemorrhagic hereditary nephritis; Congenital hereditary hematuria. Identifiers: Orphanet 63, MedGen C1567741, MONDO:0018965.

Allele frequency attached by ClinVar (database versions not stated): gnomAD exomes 0.00004; gnomAD 0.00003; TOPMed 0.00003.

Submissions (4):

Fulgent Genetics
Classification: Uncertain significance for Autosomal dominant Alport syndrome; Hematuria, benign familial, 1; Autosomal recessive Alport syndrome. Last evaluated: 2021-10-29. Review status: criteria provided, single submitter. Criteria: ACMG Guidelines, 2015. Collection method: clinical testing. Allele origin: unknown.

GeneDx
Classification: Uncertain significance. Last evaluated: 2019-09-18. Review status: criteria provided, single submitter. Criteria: GeneDx Variant Classification Process June 2021. Collection method: clinical testing. Allele origin: germline. Affected: yes.
Comment: Not observed at a significant frequency in large population cohorts (Lek et al., 2016); In silico analysis, which includes protein predictors and evolutionary conservation, supports that this variant does not alter protein structure/function; Has not been previously published as pathogenic or benign to our knowledge

Athena Diagnostics
Classification: Uncertain significance. Last evaluated: 2016-12-31. Review status: criteria provided, single submitter. Criteria: Athena Diagnostics Criteria. Collection method: clinical testing. Allele origin: germline.

Natera, Inc.
Classification: Uncertain significance for Alport syndrome. Last evaluated: 2019-10-28. Review status: no assertion criteria provided. Collection method: clinical testing. Allele origin: germline. Not counted in ClinVar's aggregate classification.